The following is an entry in ClinVar:

ClinVar aggregate classification (germline): Likely benign. Review status: criteria provided, multiple submitters, no conflicts (2 of 4 stars). 3 submissions from 3 submitters: Likely benign (3). Last evaluated 2026-02-11.

Conditions:
Charcot-Marie-Tooth disease type 4. Also called: Charcot-Marie-Tooth disease, type IV; Charcot-Marie-Tooth, Type 4. Identifiers: Orphanet 64749, MedGen C4082197, MONDO:0018995.
FIG4-related disorder. Also called: FIG4-related disorders; FIG4-related condition.
Inborn genetic diseases. Identifiers: MedGen C0950123, MeSH D030342.

Allele frequency attached by ClinVar (database versions not stated): gnomAD exomes 0.00001 and 0.00002; ExAC 0.00004; gnomAD 0.00004 and 0.00006; TOPMed 0.00012.
gnomAD v4.1: 22 of 1,580,010 alleles (0.0014%); highest among the groups gnomAD compares: Admixed American, 0.025%; no homozygotes.

Submissions (3):

PreventionGenetics, part of Exact Sciences
Classification: Likely benign for FIG4-related condition. Last evaluated: 2026-02-11. Review status: criteria provided, single submitter. Criteria: ACMG Guidelines, 2015. Collection method: clinical testing. Allele origin: germline.
Comment: This variant is classified as likely benign based on ACMG/AMP sequence variant interpretation guidelines (Richards et al. 2015 PMID: 25741868, with internal and published modifications).

Labcorp Genetics (formerly Invitae), Labcorp
Classification: Likely benign for Charcot-Marie-Tooth disease type 4. Last evaluated: 2025-10-09. Review status: criteria provided, single submitter. Criteria: Invitae Variant Classification Sherloc (09022015). Collection method: clinical testing. Allele origin: germline.

Ambry Genetics
Classification: Likely benign for Inborn genetic diseases. Last evaluated: 2025-08-27. Review status: criteria provided, single submitter. Criteria: Ambry Variant Classification Scheme 2023. Collection method: clinical testing. Allele origin: germline.

NM_014845.6(FIG4):c.54T>C (p.Tyr18=)

Gene: FIG4 (FIG4 phosphoinositide 5-phosphatase; plus strand). Cytogenetic location: 6q21.
Variant type: single nucleotide variant.
Coding change: c.54T>C on transcript NM_014845.6 (MANE Select); coding-DNA position 54, T replaced by C.
Protein change: p.Tyr18=; no amino-acid change (tyrosine 18 retained).
Molecular consequence: synonymous variant.
Genome position (GRCh38, 1-based): chr6:109,691,489, T>C. VCF-style: chr6-109691489-T-C. GRCh37 (hg19) VCF-style: chr6-110012692-T-C.
Identifiers: ClinVar variation 701038 (VCV000701038.11), dbSNP rs746307320, ClinGen allele CA3955644.